The following is an entry in ClinVar:

NM_000256.3(MYBPC3):c.2252T>A (p.Val751Asp)

Gene: MYBPC3 (myosin binding protein C3; minus strand). Cytogenetic location: 11p11.2.
Variant type: single nucleotide variant.
Coding change: c.2252T>A on transcript NM_000256.3 (MANE Select); coding-DNA position 2252, T replaced by A.
Protein change: p.Val751Asp; replaces valine 751 with aspartic acid.
Molecular consequence: missense variant.
Genome position (GRCh38, 1-based): chr11:47,338,576, A>T on the plus strand (T>A on the coding strand, the complement: MYBPC3 is on the minus strand). VCF-style: chr11-47338576-A-T. GRCh37 (hg19) VCF-style: chr11-47360127-A-T.
Other names: c.2252T>A, p.Val751Asp (LRG_386t1); short protein forms V751D.
Identifiers: ClinVar variation 454312 (VCV000454312.8), dbSNP rs1555121446, ClinGen allele CA380320253.

ClinVar aggregate classification (germline): Uncertain significance (1 of 4 stars; one submission).

Conditions:
Hypertrophic cardiomyopathy. Also called: HYPERTROPHIC MYOCARDIOPATHY. Identifiers: Orphanet 217569, MedGen C0007194, MeSH D002312, MONDO:0005045, HP:0001639.

Submission:

Labcorp Genetics (formerly Invitae), Labcorp
Classification: Uncertain significance for Hypertrophic cardiomyopathy. Last evaluated: 2024-06-24. Review status: criteria provided, single submitter. Criteria: Invitae Variant Classification Sherloc (09022015). Collection method: clinical testing. Allele origin: germline.
Comment: This sequence change replaces valine, which is neutral and non-polar, with aspartic acid, which is acidic and polar, at codon 751 of the MYBPC3 protein (p.Val751Asp). This variant is not present in population databases (gnomAD no frequency). This missense change has been observed in individuals with hypertrophic cardiomyopathy (PMID: 33782553). ClinVar contains an entry for this variant (Variation ID: 454312). An algorithm developed to predict the effect of missense changes on protein structure and function (PolyPhen-2) suggests that this variant is likely to be disruptive. In summary, the available evidence is currently insufficient to determine the role of this variant in disease. Therefore, it has been classified as a Variant of Uncertain Significance.

Literature cited by the submitters: PubMed 33782553.